The following is an entry in ClinVar:

ClinVar aggregate classification (germline): Uncertain significance. Review status: criteria provided, multiple submitters, no conflicts (2 of 4 stars). 2 submissions from 2 submitters: Uncertain significance (2). Last evaluated 2025-03-06.

Conditions:
Inborn genetic diseases. Identifiers: MedGen C0950123, MeSH D030342.

Allele frequency attached by ClinVar (database versions not stated): gnomAD exomes 0.00001; gnomAD 0.00003; TOPMed 0.00003.
gnomAD v4.1: 36 of 1,569,368 alleles (0.0023%); highest among the groups gnomAD compares: Non-Finnish European, 0.0029%; no homozygotes.

Submissions (2):

Ambry Genetics
Classification: Uncertain significance for Inborn genetic diseases. Last evaluated: 2025-03-06. Review status: criteria provided, single submitter. Criteria: Ambry Variant Classification Scheme 2023. Collection method: clinical testing. Allele origin: germline.

GeneDx
Classification: Uncertain significance. Last evaluated: 2019-08-26. Review status: criteria provided, single submitter. Criteria: GeneDx Variant Classification Process June 2021. Collection method: clinical testing. Allele origin: germline. Affected: yes.
Comment: Has not been previously published as pathogenic or benign to our knowledge; Not observed at a significant frequency in large population cohorts (Lek et al., 2016); In silico analysis, which includes protein predictors and evolutionary conservation, supports that this variant does not alter protein structure/function

NM_025216.3(WNT10A):c.862G>A (p.Ala288Thr)

Gene: WNT10A (Wnt family member 10A; plus strand). Cytogenetic location: 2q35.
Variant type: single nucleotide variant.
Coding change: c.862G>A on transcript NM_025216.3 (MANE Select); coding-DNA position 862, G replaced by A.
Protein change: p.Ala288Thr; replaces alanine 288 with threonine.
Molecular consequence: missense variant.
Genome position (GRCh38, 1-based): chr2:218,892,879, G>A. VCF-style: chr2-218892879-G-A. GRCh37 (hg19) VCF-style: chr2-219757601-G-A.
Other names: short protein forms A288T.
Identifiers: ClinVar variation 1307968 (VCV001307968.3), dbSNP rs757439312, ClinGen allele CA2114058.
Genomic context (GRCh38, chr2:218,892,879, plus strand): 5'-TCAGGCAGCTGCCAGCTCAAGACGTGCTGGCAGGTGACGCCCGAGTTCCGCACCGTGGGG[G>A]CGCTGCTGCGCAGCCGCTTCCACCGCGCCACGCTCATCCGGCCGCACAACCGCAACGGCG-3'
Protein context (NP_079492.2, residues 278-298): QVTPEFRTVG[Ala288Thr]LLRSRFHRAT